The following is an entry in ClinVar:

ClinVar aggregate classification (germline): Likely pathogenic (1 of 4 stars; one submission).

Conditions:
Autosomal recessive limb-girdle muscular dystrophy type 2A (LGMDR1). Also called: Limb-girdle muscular dystrophy, type 2A; Calpainopathy; MUSCULAR DYSTROPHY, PELVOFEMORAL; LEYDEN-MOEBIUS MUSCULAR DYSTROPHY; Muscular dystrophy, limb-girdle, type 2A, Amish. Identifiers: Orphanet 267, MedGen C1869123, MONDO:0009675, OMIM 253600. Disease mechanism: loss of function.

Submission:

Labcorp Genetics (formerly Invitae), Labcorp
Classification: Likely pathogenic for Autosomal recessive limb-girdle muscular dystrophy type 2A. Last evaluated: 2023-02-03. Review status: criteria provided, single submitter. Criteria: Invitae Variant Classification Sherloc (09022015). Collection method: clinical testing. Allele origin: germline.
Comment: This sequence change affects an acceptor splice site in intron 23 of the CAPN3 gene. While this variant is not anticipated to result in nonsense mediated decay, it likely alters RNA splicing and results in a disrupted protein product. This variant is not present in population databases (gnomAD no frequency). Disruption of this splice site has been observed in individual(s) with clinical features of limb-girdle muscular dystrophy (PMID: 26886200; Invitae). In at least one individual the data is consistent with being in trans (on the opposite chromosome) from a pathogenic variant. ClinVar contains an entry for this variant (Variation ID: 658928). Variants that disrupt the consensus splice site are a relatively common cause of aberrant splicing (PMID: 17576681, 9536098). Algorithms developed to predict the effect of sequence changes on RNA splicing suggest that this variant may disrupt the consensus splice site. In summary, the currently available evidence indicates that the variant is pathogenic, but additional data are needed to prove that conclusively. Therefore, this variant has been classified as Likely Pathogenic.

Literature cited by the submitters: PubMed 26886200; PubMed 17576681; PubMed 9536098.

NM_000070.3(CAPN3):c.2440-1G>C

Gene: CAPN3 (calpain 3; plus strand). Cytogenetic location: 15q15.1.
Variant type: single nucleotide variant.
Coding change: c.2440-1G>C on transcript NM_000070.3 (MANE Select); the canonical splice acceptor site of the intron before coding-DNA position 2440, G replaced by C.
Molecular consequence: splice acceptor variant.
Genome position (GRCh38, 1-based): chr15:42,411,746, G>C. VCF-style: chr15-42411746-G-C. GRCh37 (hg19) VCF-style: chr15-42703944-G-C.
Other names: c.2422-1G>C (NM_024344.2); c.2164-1G>C (NM_173087.2); c.904-1G>C (NM_173088.2); c.445-1G>C (NM_173090.2, NM_173089.2).
Identifiers: ClinVar variation 658928 (VCV000658928.9), dbSNP rs886044052, ClinGen allele CA392002368.